The following is an entry in ClinVar:

ClinVar aggregate classification (germline): Uncertain significance (1 of 4 stars; one submission).

Submission:

Labcorp Genetics (formerly Invitae), Labcorp
Classification: Uncertain significance. Last evaluated: 2025-11-25. Review status: criteria provided, single submitter. Criteria: Invitae Variant Classification Sherloc (09022015). Collection method: clinical testing. Allele origin: germline.
Comment: This sequence change replaces alanine, which is neutral and non-polar, with valine, which is neutral and non-polar, at codon 161 of the PPP2R1A protein (p.Ala161Val). This variant is present in population databases (rs557584612, gnomAD 0.006%). This variant has not been reported in the literature in individuals affected with PPP2R1A-related conditions. Invitae Evidence Modeling of protein sequence and biophysical properties (such as structural, functional, and spatial information, amino acid conservation, physicochemical variation, residue mobility, and thermodynamic stability) has been performed for this missense variant. However, the output from this modeling did not meet the statistical confidence thresholds required to predict the impact of this variant on PPP2R1A protein function. In summary, the available evidence is currently insufficient to determine the role of this variant in disease. Therefore, it has been classified as a Variant of Uncertain Significance.

NM_014225.6(PPP2R1A):c.482C>T (p.Ala161Val)

Gene: PPP2R1A (protein phosphatase 2 scaffold subunit Aalpha; plus strand). Cytogenetic location: 19q13.41.
Variant type: single nucleotide variant.
Coding change: c.482C>T on transcript NM_014225.6 (MANE Select); coding-DNA position 482, C replaced by T.
Protein change: p.Ala161Val; replaces alanine 161 with valine.
Molecular consequence: missense variant. On other transcripts: 5 prime UTR variant (1), non-coding transcript variant (1).
Genome position (GRCh38, 1-based): chr19:52,211,471, C>T. VCF-style: chr19-52211471-C-T. GRCh37 (hg19) VCF-style: chr19-52714724-C-T.
Other names: c.-56C>T (NM_001363656.2); short protein forms A161V.
Identifiers: ClinVar variation 4735523 (VCV004735523.1).